The following is an entry in ClinVar:

NM_015512.5(DNAH1):c.194C>T (p.Pro65Leu)

Gene: DNAH1 (dynein axonemal heavy chain 1; plus strand). Cytogenetic location: 3p21.1.
Variant type: single nucleotide variant.
Coding change: c.194C>T on transcript NM_015512.5 (MANE Select); coding-DNA position 194, C replaced by T.
Protein change: p.Pro65Leu; replaces proline 65 with leucine.
Molecular consequence: missense variant.
Genome position (GRCh38, 1-based): chr3:52,322,636, C>T. VCF-style: chr3-52322636-C-T. GRCh37 (hg19) VCF-style: chr3-52356652-C-T.
Other names: short protein forms P65L.
Identifiers: ClinVar variation 3755810 (VCV003755810.2).

ClinVar aggregate classification (germline): Uncertain significance (1 of 4 stars; one submission).

Conditions:
Spermatogenic failure 18. Identifiers: MedGen C4539783, MONDO:0054615, OMIM 617576.
Ciliary dyskinesia, primary, 37 (CILD37). Also called: CILIARY DYSKINESIA, PRIMARY, 37, WITH OR WITHOUT SITUS INVERSUS. Identifiers: MedGen C4539798, MONDO:0033204, OMIM 617577.

Submission:

Labcorp Genetics (formerly Invitae), Labcorp
Classification: Uncertain significance for Ciliary dyskinesia, primary, 37; Spermatogenic failure 18. Last evaluated: 2024-04-16. Review status: criteria provided, single submitter. Criteria: Invitae Variant Classification Sherloc (09022015). Collection method: clinical testing. Allele origin: germline.
Comment: This sequence change replaces proline, which is neutral and non-polar, with leucine, which is neutral and non-polar, at codon 65 of the DNAH1 protein (p.Pro65Leu). This variant is not present in population databases (gnomAD no frequency). This variant has not been reported in the literature in individuals affected with DNAH1-related conditions. An algorithm developed to predict the effect of missense changes on protein structure and function (PolyPhen-2) suggests that this variant is likely to be tolerated. In summary, the available evidence is currently insufficient to determine the role of this variant in disease. Therefore, it has been classified as a Variant of Uncertain Significance.